The following is an entry in ClinVar:

NM_001365480.1(CCDC88A):c.522A>G (p.Gln174=)

Gene: CCDC88A (coiled-coil and HOOK domain protein 88A; minus strand). Cytogenetic location: 2p16.1.
Variant type: single nucleotide variant.
Coding change: c.522A>G on transcript NM_001365480.1 (MANE Select); coding-DNA position 522, A replaced by G.
Protein change: p.Gln174=; no amino-acid change (glutamine 174 retained).
Molecular consequence: synonymous variant.
Genome position (GRCh38, 1-based): chr2:55,362,413, T>C on the plus strand (A>G on the coding strand, the complement: CCDC88A is on the minus strand). VCF-style: chr2-55362413-T-C. GRCh37 (hg19) VCF-style: chr2-55589549-T-C.
Other names: c.522A>G, p.Gln174= (NM_001135597.2, NM_001254943.2, NM_018084.5).
Identifiers: ClinVar variation 1351601 (VCV001351601.6), dbSNP rs2104786165, ClinGen allele CA426170621.

ClinVar aggregate classification (germline): Uncertain significance (1 of 4 stars; one submission).

Allele frequency attached by ClinVar (database versions not stated): gnomAD exomes below 0.00001.
gnomAD v4.1: 3 of 1,605,276 alleles (0.00019%); highest among the groups gnomAD compares: Non-Finnish European, 0.00025%; no homozygotes.

Submission:

Labcorp Genetics (formerly Invitae), Labcorp
Classification: Uncertain significance. Last evaluated: 2024-01-22. Review status: criteria provided, single submitter. Criteria: Invitae Variant Classification Sherloc (09022015). Collection method: clinical testing. Allele origin: germline.
Comment: This sequence change affects codon 174 of the CCDC88A mRNA. It is a 'silent' change, meaning that it does not change the encoded amino acid sequence of the CCDC88A protein. This variant is not present in population databases (gnomAD no frequency). This variant has not been reported in the literature in individuals affected with CCDC88A-related conditions. ClinVar contains an entry for this variant (Variation ID: 1351601). Algorithms developed to predict the effect of sequence changes on RNA splicing suggest that this variant may create or strengthen a splice site. In summary, the available evidence is currently insufficient to determine the role of this variant in disease. Therefore, it has been classified as a Variant of Uncertain Significance.